The following is an entry in ClinVar:

ClinVar aggregate classification (germline): Likely pathogenic. Review status: criteria provided, multiple submitters, no conflicts (2 of 4 stars). 2 submissions from 2 submitters: Likely pathogenic (2). Last evaluated 2018-09-17.

Conditions:
Familial thoracic aortic aneurysm and aortic dissection (TAAD). Also called: Thoracic aortic aneurysms and dissections. Identifiers: Orphanet 91387, MedGen C4707243, MONDO:0019625.
Marfan syndrome (MFS). Also called: FBN1-Related Marfan Syndrome; Marfan syndrome type 1; Marfan's syndrome; Marfan syndrome, classic; MARFAN SYNDROME, TYPE I. Identifiers: Orphanet 284963, Orphanet 558, MedGen C0024796, MONDO:0007947, OMIM 154700.

Submissions (2):

Labcorp Genetics (formerly Invitae), Labcorp
Classification: Likely pathogenic for Marfan syndrome; Familial thoracic aortic aneurysm and aortic dissection. Last evaluated: 2018-09-17. Review status: criteria provided, single submitter. Criteria: Invitae Variant Classification Sherloc (09022015). Collection method: clinical testing. Allele origin: germline.
Comment: This variant affects a cysteine residue in the EGF-like, TGFBP or hybrid motif domains FBN1. Cysteine residues are believed to be involved in intramolecular disulfide bridges and have been shown to be important for FBN1 protein structure (PMID: 16905551, 19349279). In addition, missense substitutions affecting cysteine residues within these domains are significantly overrepresented among patients with Marfan syndrome (PMID: 16571647, 17701892). In summary, the currently available evidence indicates that the variant is pathogenic, but additional data are needed to prove that conclusively. Therefore, this variant has been classified as Likely Pathogenic. Algorithms developed to predict the effect of missense changes on protein structure and function are either unavailable or do not agree on the potential impact of this missense change (SIFT: "Deleterious"; PolyPhen-2: "Probably Damaging"; Align-GVGD: "Class C0"). This variant is not present in population databases (ExAC no frequency). This sequence change replaces cysteine with arginine at codon 2552 of the FBN1 protein (p.Cys2552Arg). The cysteine residue is highly conserved and there is a large physicochemical difference between cysteine and arginine.

CHEO Genetics Diagnostic Laboratory, Children's Hospital of Eastern Ontario
Classification: Likely pathogenic for Familial thoracic aortic aneurysm and aortic dissection. Last evaluated: 2016-07-13. Review status: criteria provided, single submitter. Criteria: ACMG Guidelines, 2015. Collection method: clinical testing. Allele origin: germline. Study: Canadian Open Genetics Repository.

Literature cited by the submitters: PubMed 16905551 (cited by Labcorp Genetics (formerly Invitae), Labcorp); PubMed 19349279 (cited by Labcorp Genetics (formerly Invitae), Labcorp); PubMed 16571647 (cited by Labcorp Genetics (formerly Invitae), Labcorp); PubMed 17701892 (cited by Labcorp Genetics (formerly Invitae), Labcorp).

NM_000138.5(FBN1):c.7654T>C (p.Cys2552Arg)

Gene: FBN1 (fibrillin 1; minus strand). Cytogenetic location: 15q21.1.
Variant type: single nucleotide variant.
Coding change: c.7654T>C on transcript NM_000138.5 (MANE Select); coding-DNA position 7654, T replaced by C.
Protein change: p.Cys2552Arg; replaces cysteine 2552 with arginine.
Molecular consequence: missense variant.
Genome position (GRCh38, 1-based): chr15:48,421,603, A>G on the plus strand (T>C on the coding strand, the complement: FBN1 is on the minus strand). VCF-style: chr15-48421603-A-G. GRCh37 (hg19) VCF-style: chr15-48713800-A-G.
Other names: short protein forms C2552R.
Identifiers: ClinVar variation 626876 (VCV000626876.10), dbSNP rs1566891668, ClinGen allele CA392325105.